The following is an entry in ClinVar:

NM_005120.3(MED12):c.5106G>A (p.Trp1702Ter)

Gene: MED12 (mediator complex subunit 12; plus strand). Cytogenetic location: Xq13.1.
Variant type: single nucleotide variant.
Coding change: c.5106G>A on transcript NM_005120.3 (MANE Select); coding-DNA position 5106, G replaced by A.
Protein change: p.Trp1702Ter; replaces tryptophan 1702 with a stop codon.
Molecular consequence: nonsense.
Genome position (GRCh38, 1-based): chrX:71,136,361, G>A. VCF-style: chrX-71136361-G-A. GRCh37 (hg19) VCF-style: chrX-70356211-G-A.
Other names: short protein forms W1702*.
Identifiers: ClinVar variation 3349085 (VCV003349085.1).

ClinVar aggregate classification (germline): Likely pathogenic (0 of 4 stars; one submission).

Conditions:
MED12-Related Disorders. Also called: MED12-related condition; MED12-related disorder. Identifiers: MedGen CN381102.

Submission:

PreventionGenetics, part of Exact Sciences
Classification: Likely pathogenic for MED12-related condition. Last evaluated: 2024-03-09. Review status: no assertion criteria provided. Collection method: clinical testing. Allele origin: germline.
Comment: The MED12 c.5106G>A variant is predicted to result in premature protein termination (p.Trp1702*). To our knowledge, this variant has not been reported in the literature or in a large population database, indicating this variant is rare. Nonsense variants in MED12 are expected to be pathogenic. This variant is interpreted as likely pathogenic.